The following is an entry in ClinVar:

ClinVar aggregate classification (germline): Uncertain significance. Review status: criteria provided, multiple submitters, no conflicts (2 of 4 stars). 6 submissions from 6 submitters: Uncertain significance (6). Last evaluated 2025-11-19.

Conditions:
Hereditary cancer-predisposing syndrome. Also called: Hereditary Cancer Syndrome; Neoplastic Syndromes, Hereditary; Tumor predisposition; Hereditary neoplastic syndrome. Identifiers: Orphanet 140162, MedGen C0027672, MeSH D009386, MONDO:0015356.
Intellectual disability, autosomal dominant 16 (CSS4). Also called: COFFIN-SIRIS SYNDROME 4. Identifiers: Orphanet 1465, MedGen C3553249, MONDO:0013821, OMIM 614609.
Rhabdoid tumor predisposition syndrome 2 (RTPS2). Identifiers: Orphanet 231108, Orphanet 69077, MedGen C2750074, MONDO:0013224, OMIM 613325.

Allele frequency attached by ClinVar (database versions not stated): gnomAD exomes below 0.00001 and 0.00001; TOPMed below 0.00001; gnomAD 0.00001.
gnomAD v4.1: 2 of 1,550,668 alleles (0.00013%); highest among the groups gnomAD compares: African/African-American, 0.0014%; no homozygotes.

Submissions (6):

Labcorp Genetics (formerly Invitae), Labcorp
Classification: Uncertain significance for Rhabdoid tumor predisposition syndrome 2. Last evaluated: 2025-11-19. Review status: criteria provided, single submitter. Criteria: Invitae Variant Classification Sherloc (09022015). Collection method: clinical testing. Allele origin: germline.
Comment: This sequence change affects a donor splice site in intron 35 of the SMARCA4 gene. RNA analysis indicates that disruption of this splice site induces altered splicing and likely disrupts the C-terminus of the protein. This variant is present in population databases (no rsID available, gnomAD 0.002%). This variant has not been reported in the literature in individuals affected with SMARCA4-related conditions. ClinVar contains an entry for this variant (Variation ID: 480606). Variants that disrupt the consensus splice site are a relatively common cause of aberrant splicing (PMID: 17576681, 9536098). Studies have shown that disruption of this splice site results in activation of a cryptic splice site and introduces a new termination codon (internal data). However the mRNA is not expected to undergo nonsense-mediated decay. In summary, the available evidence is currently insufficient to determine the role of this variant in disease. Therefore, it has been classified as a Variant of Uncertain Significance.

Ambry Genetics
Classification: Uncertain significance for Hereditary cancer-predisposing syndrome. Last evaluated: 2025-03-17. Review status: criteria provided, single submitter. Criteria: Ambry Variant Classification Scheme 2023. Collection method: clinical testing. Allele origin: germline.
Comment: The c.5007+1G>A intronic variant results from a G to A substitution one nucleotide after coding exon 34 of the SMARCA4 gene. This nucleotide position is highly conserved in available vertebrate species. In silico splice site analysis predicts that this alteration will weaken the native splice donor site. RNA studies have demonstrated that this alteration results in abnormal splicing in the set of samples tested (Ambry internal data). However, this abnormal splice event occurs at the 3' terminus of theSMARCA4 gene, is not expected to trigger nonsense-mediated mRNAdecay, impacts the final 10 amino acids of the native protein sequence, and results in the elongation of the protein by 57 amino acids. The exact functional effect of the altered amino acids is unknown. This variant has been detected in multiple individuals with no reported features of Coffin-Siris syndrome (Ambry internal data). Based on the supporting evidence, the association of this alteration with rhabdoid tumor predisposition syndrome is unknown; however, the association of this alteration with Coffin-Siris syndrome is unlikely.

Quest Diagnostics Nichols Institute San Juan Capistrano
Classification: Uncertain significance. Last evaluated: 2025-01-17. Review status: criteria provided, single submitter. Criteria: Quest Diagnostics criteria. Collection method: clinical testing. Allele origin: unknown.
Comment: The SMARCA4 c.5007+1G>A variant disrupts a canonical splice-donor site and is predicted to interfere with normal SMARCA4 mRNA splicing. This variant is not expected to cause loss of protein expression through nonsense-mediated decay. However, it may still disrupt protein function. This variant has been reported in the published literature in the somatic context in two tumor samples from patients with breast cancer and cancer of unknown primary (PMID: 33144586 (2020)). The frequency of this variant in the general population (Genome Aggregation Database) is uninformative in the assessment of its pathogenicity. Based on the available information, we are unable to determine the clinical significance of this variant.

Baylor Genetics
Classification: Uncertain significance for Rhabdoid tumor predisposition syndrome 2. Last evaluated: 2024-02-16. Review status: criteria provided, single submitter. Criteria: ACMG Guidelines, 2015. Collection method: clinical testing. Allele origin: unknown.

GeneDx
Classification: Uncertain significance. Last evaluated: 2023-09-03. Review status: criteria provided, single submitter. Criteria: GeneDx Variant Classification Process June 2021. Collection method: clinical testing. Allele origin: germline. Affected: yes.
Comment: Canonical splice site variant predicted to result in a null allele in a gene for which loss of function is a known mechanism of disease; Has not been previously published as pathogenic or benign to our knowledge

Genome-Nilou Lab
Classification: Uncertain significance for Intellectual disability, autosomal dominant 16. Last evaluated: 2021-07-15. Review status: criteria provided, single submitter. Criteria: ACMG Guidelines, 2015. Collection method: clinical testing. Allele origin: germline. Affected: no.

Literature cited by the submitters: PubMed 17576681 (cited by Labcorp Genetics (formerly Invitae), Labcorp); PubMed 9536098 (cited by Labcorp Genetics (formerly Invitae), Labcorp); PubMed 33144586 (cited by Quest Diagnostics Nichols Institute San Juan Capistrano).

NM_003072.5(SMARCA4):c.4911+1G>A

Gene: SMARCA4 (SWI/SNF related BAF chromatin remodeling complex subunit ATPase 4; plus strand). Cytogenetic location: 19p13.2.
Variant type: single nucleotide variant.
Coding change: c.4911+1G>A on transcript NM_003072.5 (MANE Select); the canonical splice donor site of the intron after coding-DNA position 4911, G replaced by A.
Molecular consequence: splice donor variant.
Genome position (GRCh38, 1-based): chr19:11,060,188, G>A. VCF-style: chr19-11060188-G-A. GRCh37 (hg19) VCF-style: chr19-11170864-G-A.
Other names: c.4911+1G>A (NM_001128844.3); c.5007+1G>A (NM_001128849.3, NM_001387283.1); c.4812+1G>A (NM_001128847.4, NM_001374457.1); c.4908+1G>A (NM_001411150.1); c.4821+1G>A (NM_001128845.2); c.4818+1G>A (NM_001128846.2); c.4809+1G>A (NM_001128848.2).
Identifiers: ClinVar variation 480606 (VCV000480606.19), dbSNP rs1341783002, ClinGen allele CA404081027.